The following is an entry in ClinVar:

ClinVar aggregate classification (germline): Uncertain significance. Review status: criteria provided, multiple submitters, no conflicts (2 of 4 stars). 3 submissions from 3 submitters: Uncertain significance (3). Last evaluated 2026-01-14.

Conditions:
Hereditary cancer-predisposing syndrome. Also called: Neoplastic Syndromes, Hereditary; Hereditary Cancer Syndrome; Hereditary neoplastic syndrome; Tumor predisposition. Identifiers: Orphanet 140162, MedGen C0027672, MeSH D009386, MONDO:0015356.

Allele frequency attached by ClinVar (database versions not stated): TOPMed below 0.00001.

Submissions (3):

Labcorp Genetics (formerly Invitae), Labcorp
Classification: Uncertain significance. Last evaluated: 2026-01-14. Review status: criteria provided, single submitter. Criteria: Invitae Variant Classification Sherloc (09022015). Collection method: clinical testing. Allele origin: germline.
Comment: This sequence change replaces glutamic acid, which is acidic and polar, with lysine, which is basic and polar, at codon 523 of the POLE protein (p.Glu523Lys). This variant is not present in population databases (gnomAD no frequency). This variant has not been reported in the literature in individuals affected with POLE-related conditions. ClinVar contains an entry for this variant (Variation ID: 540796). Invitae Evidence Modeling of protein sequence and biophysical properties (such as structural, functional, and spatial information, amino acid conservation, physicochemical variation, residue mobility, and thermodynamic stability) indicates that this missense variant is not expected to disrupt POLE protein function with a negative predictive value of 80%. In summary, the available evidence is currently insufficient to determine the role of this variant in disease. Therefore, it has been classified as a Variant of Uncertain Significance.

Ambry Genetics
Classification: Uncertain significance for Hereditary cancer-predisposing syndrome. Last evaluated: 2025-08-23. Review status: criteria provided, single submitter. Criteria: Ambry Variant Classification Scheme 2023. Collection method: clinical testing. Allele origin: germline.
Comment: The p.E523K variant (also known as c.1567G>A), located in coding exon 15 of the POLE gene, results from a G to A substitution at nucleotide position 1567. The glutamic acid at codon 523 is replaced by lysine, an amino acid with similar properties. This amino acid position is conserved. In addition, this alteration is predicted to be tolerated by in silico analysis. Since supporting evidence is limited at this time, the clinical significance of this alteration remains unclear.

GeneDx
Classification: Uncertain significance. Last evaluated: 2024-04-11. Review status: criteria provided, single submitter. Criteria: GeneDx Variant Classification Process June 2021. Collection method: clinical testing. Allele origin: germline. Affected: yes.
Comment: Not observed at significant frequency in large population cohorts (gnomAD); In silico analysis indicates that this missense variant does not alter protein structure/function; Has not been previously published as pathogenic or benign to our knowledge

NM_006231.4(POLE):c.1567G>A (p.Glu523Lys)

Gene: POLE (DNA polymerase epsilon, catalytic subunit; minus strand). Cytogenetic location: 12q24.33.
Variant type: single nucleotide variant.
Coding change: c.1567G>A on transcript NM_006231.4 (MANE Select); coding-DNA position 1567, G replaced by A.
Protein change: p.Glu523Lys; replaces glutamic acid 523 with lysine.
Molecular consequence: missense variant.
Genome position (GRCh38, 1-based): chr12:132,672,746, C>T on the plus strand (G>A on the coding strand, the complement: POLE is on the minus strand). VCF-style: chr12-132672746-C-T. GRCh37 (hg19) VCF-style: chr12-133249332-C-T.
Other names: short protein forms E523K.
Identifiers: ClinVar variation 540796 (VCV000540796.13), dbSNP rs1275423655, ClinGen allele CA387357044.
Genomic context (GRCh38, chr12:132,672,746, plus strand): 5'-GGCCCCCGACGTAGGTCTCAGAGTCCAGCACGTGTCCGTCGTCCGTCAGCTTATTGAACT[C>T]CTGCTCTTGCTTGTTGGGGAAGATGATGTTGGCGTGGAAGGCCTGCACCATCAGCAAGGC-3'
Protein context (NP_006222.2, residues 513-533): NIIFPNKQEQ[Glu523Lys]FNKLTDDGHV